The following is an entry in ClinVar:

NM_000271.5(NPC1):c.2603A>T (p.Asp868Val)

Gene: NPC1 (NPC intracellular cholesterol transporter 1; minus strand). Cytogenetic location: 18q11.2.
Variant type: single nucleotide variant.
Coding change: c.2603A>T on transcript NM_000271.5 (MANE Select); coding-DNA position 2603, A replaced by T.
Protein change: p.Asp868Val; replaces aspartic acid 868 with valine.
Molecular consequence: missense variant.
Genome position (GRCh38, 1-based): chr18:23,540,449, T>A on the plus strand (A>T on the coding strand, the complement: NPC1 is on the minus strand). VCF-style: chr18-23540449-T-A. GRCh37 (hg19) VCF-style: chr18-21120413-T-A.
Other names: c.2603A>T (NM_000271.4); short protein forms D868V.
Identifiers: ClinVar variation 1963490 (VCV001963490.4), dbSNP rs1210438129, ClinGen allele CA401793068.

ClinVar aggregate classification (germline): Uncertain significance. Review status: criteria provided, multiple submitters, no conflicts (2 of 4 stars). 2 submissions from 2 submitters: Uncertain significance (2). Last evaluated 2025-11-13.

Conditions:
Inborn genetic diseases. Identifiers: MedGen C0950123, MeSH D030342.
Niemann-Pick disease, type C1. Also called: NEUROVISCERAL STORAGE DISEASE WITH VERTICAL SUPRANUCLEAR OPHTHALMOPLEGIA; NIEMANN-PICK DISEASE WITH CHOLESTEROL ESTERIFICATION BLOCK; NIEMANN-PICK DISEASE WITHOUT SPHINGOMYELINASE DEFICIENCY; NIEMANN-PICK DISEASE, CHRONIC NEURONOPATHIC FORM; NIEMANN-PICK DISEASE, VARIANT TYPE C1. Identifiers: Orphanet 646, MedGen C3179455, MONDO:0009757, OMIM 257220.

Allele frequency attached by ClinVar (database versions not stated): gnomAD exomes below 0.00001.
gnomAD v4.1: 2 of 1,558,894 alleles (0.00013%); highest among the groups gnomAD compares: Non-Finnish European, 0.00018%; no homozygotes.

Submissions (2):

Ambry Genetics
Classification: Uncertain significance for Inborn genetic diseases. Last evaluated: 2025-11-13. Review status: criteria provided, single submitter. Criteria: Ambry Variant Classification Scheme 2023. Collection method: clinical testing. Allele origin: germline.
Comment: The c.2603A>T (p.D868V) alteration is located in exon 17 (coding exon 17) of the NPC1 gene. This alteration results from a A to T substitution at nucleotide position 2603, causing the aspartic acid (D) at amino acid position 868 to be replaced by a valine (V). Based on data from gnomAD, the T allele has an overall frequency of <0.001% (1/247314) total alleles studied. The highest observed frequency was 0.001% (1/112068) of European (non-Finnish) alleles. Based on insufficient or conflicting evidence, the clinical significance of this alteration remains unclear.

Labcorp Genetics (formerly Invitae), Labcorp
Classification: Uncertain significance for Niemann-Pick disease, type C1. Last evaluated: 2025-05-05. Review status: criteria provided, single submitter. Criteria: Invitae Variant Classification Sherloc (09022015). Collection method: clinical testing. Allele origin: germline.
Comment: This sequence change replaces aspartic acid, which is acidic and polar, with valine, which is neutral and non-polar, at codon 868 of the NPC1 protein (p.Asp868Val). The frequency data for this variant in the population databases is considered unreliable, as metrics indicate poor data quality at this position in the gnomAD database. This variant has not been reported in the literature in individuals affected with NPC1-related conditions. ClinVar contains an entry for this variant (Variation ID: 1963490). An algorithm developed to predict the effect of missense changes on protein structure and function (PolyPhen-2) suggests that this variant is likely to be tolerated. Algorithms developed to predict the effect of sequence changes on RNA splicing suggest that this variant may disrupt the consensus splice site. In summary, the available evidence is currently insufficient to determine the role of this variant in disease. Therefore, it has been classified as a Variant of Uncertain Significance.